The following is an entry in ClinVar:

ClinVar aggregate classification (germline): Uncertain significance (1 of 4 stars; one submission).

Conditions:
Congenital myasthenic syndrome 20. Also called: Myasthenic syndrome, congenital, 20, presynaptic. Identifiers: MedGen C4310694, MONDO:0014939, OMIM 617143.
Neuronopathy, distal hereditary motor, type 7A. Also called: Neuronopathy, distal hereditary motor, type viia; NEURONOPATHY, DISTAL HEREDITARY MOTOR, HARDING TYPE VIIA; NEUROPATHY, DISTAL HEREDITARY MOTOR, HARDING TYPE VIIA; Neuronopathy, distal hereditary motor, autosomal dominant 7; HARPER-YOUNG MYOPATHY; HMN VIIA. Identifiers: Orphanet 139589, MedGen C1834703, MONDO:0008024, OMIM 158580.

gnomAD v4.1: 1 of 1,613,554 alleles (0.000062%); highest among the groups gnomAD compares: Admixed American, 0.0017%; no homozygotes.

Submission:

Labcorp Genetics (formerly Invitae), Labcorp
Classification: Uncertain significance for Neuronopathy, distal hereditary motor, type 7A; Congenital myasthenic syndrome 20. Last evaluated: 2025-12-02. Review status: criteria provided, single submitter. Criteria: Invitae Variant Classification Sherloc (09022015). Collection method: clinical testing. Allele origin: germline.
Comment: This sequence change replaces proline, which is neutral and non-polar, with alanine, which is neutral and non-polar, at codon 321 of the SLC5A7 protein (p.Pro321Ala). This variant is not present in population databases (gnomAD no frequency). This variant has not been reported in the literature in individuals affected with SLC5A7-related conditions. Invitae Evidence Modeling of protein sequence and biophysical properties (such as structural, functional, and spatial information, amino acid conservation, physicochemical variation, residue mobility, and thermodynamic stability) has been performed for this missense variant. However, the output from this modeling did not meet the statistical confidence thresholds required to predict the impact of this variant on SLC5A7 protein function. In summary, the available evidence is currently insufficient to determine the role of this variant in disease. Therefore, it has been classified as a Variant of Uncertain Significance.

NM_021815.5(SLC5A7):c.961C>G (p.Pro321Ala)

Gene: SLC5A7 (solute carrier family 5 member 7; plus strand). Cytogenetic location: 2q12.3.
Variant type: single nucleotide variant.
Coding change: c.961C>G on transcript NM_021815.5 (MANE Select); coding-DNA position 961, C replaced by G.
Protein change: p.Pro321Ala; replaces proline 321 with alanine.
Molecular consequence: missense variant.
Genome position (GRCh38, 1-based): chr2:108,008,530, C>G. VCF-style: chr2-108008530-C-G. GRCh37 (hg19) VCF-style: chr2-108624986-C-G.
Other names: c.961C>G, p.Pro321Ala (NM_001305005.3); c.646C>G, p.Pro216Ala (NM_001305006.3); c.220C>G, p.Pro74Ala (NM_001305007.3); short protein forms P74A, P216A, P321A.
Identifiers: ClinVar variation 4788167 (VCV004788167.1).